The following is an entry in ClinVar:

ClinVar aggregate classification (germline): Uncertain significance (1 of 4 stars; one submission).

Conditions:
CEP290-related disorder. Also called: CEP290-related disorders; CEP290-related condition. Identifiers: MedGen CN239314.

gnomAD v4.1: 3 of 1,604,184 alleles (0.00019%); highest among the groups gnomAD compares: African/African-American, 0.004%; no homozygotes.

Submission:

PreventionGenetics, part of Exact Sciences
Classification: Uncertain significance for CEP290-related condition. Last evaluated: 2025-01-15. Review status: criteria provided, single submitter. Criteria: ACMG Guidelines, 2015. Collection method: clinical testing. Allele origin: germline.
Comment: The CEP290 c.2599G>C variant is predicted to result in the amino acid substitution p.Ala867Pro. To our knowledge, this variant has not been reported in the literature. This variant is reported in 0.0068% of alleles in individuals of African descent in gnomAD. At this time, the clinical significance of this variant is uncertain due to the absence of conclusive functional and genetic evidence.

NM_025114.4(CEP290):c.2599G>C (p.Ala867Pro)

Gene: CEP290 (centrosomal protein 290; minus strand). Cytogenetic location: 12q21.32.
Variant type: single nucleotide variant.
Coding change: c.2599G>C on transcript NM_025114.4 (MANE Select); coding-DNA position 2599, G replaced by C.
Protein change: p.Ala867Pro; replaces alanine 867 with proline.
Molecular consequence: missense variant.
Genome position (GRCh38, 1-based): chr12:88,106,893, C>G on the plus strand (G>C on the coding strand, the complement: CEP290 is on the minus strand). VCF-style: chr12-88106893-C-G. GRCh37 (hg19) VCF-style: chr12-88500670-C-G.
Other names: short protein forms A867P.
Identifiers: ClinVar variation 4987715 (VCV004987715.1).
Genomic context (GRCh38, chr12:88,106,893, plus strand): 5'-TAATTTTCCTACTATTTTCTGCAAGTATTTTTTTCATTTCATCCGAATCCATCTGAAGAG[C>G]ATTGAGCAAATTCTGCACAAAGACACATCCATATTACTTGTTGAATCTAGCTATCCTACT-3'
Protein context (NP_079390.3, residues 857-877): KVKEYNNLLN[Ala867Pro]LQMDSDEMKK